The following is an entry in ClinVar:

NM_198999.3(SLC26A5):c.1312-1G>A

Gene: SLC26A5 (solute carrier family 26 member 5; minus strand). Cytogenetic location: 7q22.1.
Variant type: single nucleotide variant.
Coding change: c.1312-1G>A on transcript NM_198999.3 (MANE Select); the canonical splice acceptor site of the intron before coding-DNA position 1312, G replaced by A.
Molecular consequence: splice acceptor variant. On other transcripts: intron variant (3).
Genome position (GRCh38, 1-based): chr7:103,389,425, C>T on the plus strand (G>A on the coding strand, the complement: SLC26A5 is on the minus strand). VCF-style: chr7-103389425-C-T. GRCh37 (hg19) VCF-style: chr7-103029872-C-T.
Other names: c.971+8507G>A (NM_206885.3); c.1312-311G>A (NM_001321787.2, NM_001167962.2); c.1312-1G>A (NM_206884.3, NM_206883.3).
Identifiers: ClinVar variation 2806235 (VCV002806235.3), dbSNP rs1563529062, ClinGen allele CA368757563.
Genomic context (GRCh38, chr7:103,389,425, plus strand): 5'-ATCTGAGAACTGCATAAACATTCCCTTCAGGTTGACAATCACAATGGCCGACAGCACAGC[C>T]TGAAACAGAGCACATCCCCCATGCCTCTCCTCTTGTGTCCACAGAGTGTCCTTTGCTGGT-3'

ClinVar aggregate classification (germline): Likely pathogenic (1 of 4 stars; one submission).

Submission:

Labcorp Genetics (formerly Invitae), Labcorp
Classification: Likely pathogenic. Last evaluated: 2025-08-04. Review status: criteria provided, single submitter. Criteria: Invitae Variant Classification Sherloc (09022015). Collection method: clinical testing. Allele origin: germline.
Comment: This sequence change affects an acceptor splice site in intron 12 of the SLC26A5 gene. It is expected to disrupt RNA splicing. Variants that disrupt the donor or acceptor splice site typically lead to a loss of protein function (PMID: 16199547), and loss-of-function variants in SLC26A5 are known to be pathogenic (PMID: 12239568, 24164807). This variant is not present in population databases (gnomAD no frequency). Disruption of this splice site has been observed in individual(s) with sensorineural deafness (internal data). ClinVar contains an entry for this variant (Variation ID: 2806235). Algorithms developed to predict the effect of sequence changes on RNA splicing suggest that this variant may disrupt the consensus splice site. In summary, the currently available evidence indicates that the variant is pathogenic, but additional data are needed to prove that conclusively. Therefore, this variant has been classified as Likely Pathogenic.

Literature cited by the submitters: PubMed 16199547; PubMed 12239568; PubMed 24164807.